The following is an entry in ClinVar:

ClinVar aggregate classification (germline): Uncertain significance (1 of 4 stars; one submission).

Conditions:
Gastrointestinal stromal tumor. Also called: Gastrointestinal stromal tumor, somatic; Gastrointestinal stroma tumor. Identifiers: Orphanet 44890, MedGen C0238198, MeSH D046152, MONDO:0011719, OMIM 606764, HP:0100723.

Submission:

Labcorp Genetics (formerly Invitae), Labcorp
Classification: Uncertain significance for Gastrointestinal stromal tumor. Last evaluated: 2024-05-06. Review status: criteria provided, single submitter. Criteria: Invitae Variant Classification Sherloc (09022015). Collection method: clinical testing. Allele origin: germline.
Comment: This sequence change replaces leucine, which is neutral and non-polar, with arginine, which is basic and polar, at codon 462 of the KIT protein (p.Leu462Arg). This variant is not present in population databases (gnomAD no frequency). This variant has not been reported in the literature in individuals affected with KIT-related conditions. An algorithm developed to predict the effect of missense changes on protein structure and function (PolyPhen-2) suggests that this variant is likely to be tolerated. In summary, the available evidence is currently insufficient to determine the role of this variant in disease. Therefore, it has been classified as a Variant of Uncertain Significance.

NM_000222.3(KIT):c.1385T>G (p.Leu462Arg)

Gene: KIT (KIT proto-oncogene, receptor tyrosine kinase; plus strand). Cytogenetic location: 4q12.
Variant type: single nucleotide variant.
Coding change: c.1385T>G on transcript NM_000222.3 (MANE Select); coding-DNA position 1385, T replaced by G.
Protein change: p.Leu462Arg; replaces leucine 462 with arginine.
Molecular consequence: missense variant.
Genome position (GRCh38, 1-based): chr4:54,725,895, T>G. VCF-style: chr4-54725895-T-G. GRCh37 (hg19) VCF-style: chr4-55592061-T-G.
Other names: c.1385T>G, p.Leu462Arg (NM_001093772.2, NM_001385285.1, NM_001385286.1); c.1388T>G, p.Leu463Arg (NM_001385284.1, NM_001385288.1, NM_001385290.1 and 1 more transcripts); short protein forms L463R, L462R.
Identifiers: ClinVar variation 3652310 (VCV003652310.2).
Genomic context (GRCh38, chr4:54,725,895, plus strand): 5'-GCTTTTGTTTTCTTCCCTTTAGATGCTCTGCTTCTGTACTGCCAGTGGATGTGCAGACAC[T>G]AAACTCATCTGGGCCACCGTTTGGAAAGCTAGTGGTTCAGAGTTCTATAGATTCTAGTGC-3'
Protein context (NP_000213.1, residues 452-472): ASVLPVDVQT[Leu462Arg]NSSGPPFGKL